The following is an entry in ClinVar:

ClinVar aggregate classification (germline): Uncertain significance (1 of 4 stars; one submission).

Submission:

Labcorp Genetics (formerly Invitae), Labcorp
Classification: Uncertain significance. Last evaluated: 2023-08-24. Review status: criteria provided, single submitter. Criteria: Invitae Variant Classification Sherloc (09022015). Collection method: clinical testing. Allele origin: germline.
Comment: In summary, the available evidence is currently insufficient to determine the role of this variant in disease. Therefore, it has been classified as a Variant of Uncertain Significance. Advanced modeling of protein sequence and biophysical properties (such as structural, functional, and spatial information, amino acid conservation, physicochemical variation, residue mobility, and thermodynamic stability) performed at Invitae indicates that this missense variant is not expected to disrupt SERPINF1 protein function. ClinVar contains an entry for this variant (Variation ID: 1472740). This variant has not been reported in the literature in individuals affected with SERPINF1-related conditions. This variant is not present in population databases (gnomAD no frequency). This sequence change replaces glutamine, which is neutral and polar, with glutamic acid, which is acidic and polar, at codon 392 of the SERPINF1 protein (p.Gln392Glu).

NM_002615.7(SERPINF1):c.1174C>G (p.Gln392Glu)

Gene: SERPINF1 (serpin family F member 1; plus strand). Cytogenetic location: 17p13.3.
Variant type: single nucleotide variant.
Coding change: c.1174C>G on transcript NM_002615.7 (MANE Select); coding-DNA position 1174, C replaced by G.
Protein change: p.Gln392Glu; replaces glutamine 392 with glutamic acid.
Molecular consequence: missense variant.
Genome position (GRCh38, 1-based): chr17:1,777,363, C>G. VCF-style: chr17-1777363-C-G. GRCh37 (hg19) VCF-style: chr17-1680657-C-G.
Other names: c.1174C>G, p.Gln392Glu (NM_001329903.2); c.613C>G, p.Gln205Glu (NM_001329904.2, NM_001329905.2); short protein forms Q205E, Q392E.
Identifiers: ClinVar variation 1472740 (VCV001472740.6), dbSNP rs2151213569, ClinGen allele CA397591223.
Genomic context (GRCh38, chr17:1,777,363, plus strand): 5'-ACCCCCAGCCCAGGGCTGCAGCCTGCCCACCTCACCTTCCCGCTGGACTATCACCTTAAC[C>G]AGCCTTTCATCTTCGTACTGAGGGACACAGACACAGGGGCCCTTCTCTTCATTGGCAAGA-3'
Protein context (NP_002606.3, residues 382-402): LTFPLDYHLN[Gln392Glu]PFIFVLRDTD